The following is an entry in ClinVar:

NM_016341.4(PLCE1):c.4987C>A (p.Pro1663Thr)

Genes: PLCE1 (phospholipase C epsilon 1; plus strand), PLCE1-AS1 (PLCE1 antisense RNA 1; minus strand). Cytogenetic location: 10q23.33.
Variant type: single nucleotide variant.
Coding change: c.4987C>A on transcript NM_016341.4 (MANE Select); coding-DNA position 4987, C replaced by A.
Protein change: p.Pro1663Thr; replaces proline 1663 with threonine.
Molecular consequence: missense variant.
Genome position (GRCh38, 1-based): chr10:94,284,917, C>A. VCF-style: chr10-94284917-C-A. GRCh37 (hg19) VCF-style: chr10-96044674-C-A.
Other names: c.4063C>A, p.Pro1355Thr (NM_001165979.2); c.4939C>A, p.Pro1647Thr (NM_001288989.2); short protein forms P1355T, P1663T, P1647T.
Identifiers: ClinVar variation 2404737 (VCV002404737.5), dbSNP rs41291138, ClinGen allele CA5613261.

ClinVar aggregate classification (germline): Uncertain significance. Review status: criteria provided, multiple submitters, no conflicts (2 of 4 stars). 3 submissions from 3 submitters: Uncertain significance (3). Last evaluated 2025-01-19.

Conditions:
Inborn genetic diseases. Identifiers: MedGen C0950123, MeSH D030342.

Allele frequency attached by ClinVar (database versions not stated): 1000 Genomes Project 30x 0.00016; TOPMed 0.00018; gnomAD 0.00021; ESP Exome Variant Server 0.00025; ExAC 0.00027.
gnomAD v4.1: 367 of 1,611,620 alleles (0.023%); highest among the groups gnomAD compares: Non-Finnish European, 0.029%; no homozygotes.

Submissions (3):

Ambry Genetics
Classification: Uncertain significance for Inborn genetic diseases. Last evaluated: 2025-01-19. Review status: criteria provided, single submitter. Criteria: Ambry Variant Classification Scheme 2023. Collection method: clinical testing. Allele origin: germline.

Blueprint Genetics
Classification: Uncertain significance. Last evaluated: 2024-08-08. Review status: criteria provided, single submitter. Criteria: ACMG Guidelines, 2015. Collection method: clinical testing. Allele origin: germline.

Labcorp Genetics (formerly Invitae), Labcorp
Classification: Uncertain significance. Last evaluated: 2024-05-30. Review status: criteria provided, single submitter. Criteria: Invitae Variant Classification Sherloc (09022015). Collection method: clinical testing. Allele origin: germline.
Comment: This sequence change replaces proline, which is neutral and non-polar, with threonine, which is neutral and polar, at codon 1663 of the PLCE1 protein (p.Pro1663Thr). This variant is present in population databases (rs41291138, gnomAD 0.04%). This variant has not been reported in the literature in individuals affected with PLCE1-related conditions. ClinVar contains an entry for this variant (Variation ID: 2404737). Advanced modeling of protein sequence and biophysical properties (such as structural, functional, and spatial information, amino acid conservation, physicochemical variation, residue mobility, and thermodynamic stability) performed at Invitae indicates that this missense variant is not expected to disrupt PLCE1 protein function with a negative predictive value of 80%. In summary, the available evidence is currently insufficient to determine the role of this variant in disease. Therefore, it has been classified as a Variant of Uncertain Significance.